The following is an entry in ClinVar:

NM_001127222.2(CACNA1A):c.4388+8G>A

Gene: CACNA1A (calcium voltage-gated channel subunit alpha1 A; minus strand). Cytogenetic location: 19p13.13.
Variant type: single nucleotide variant.
Coding change: c.4388+8G>A on transcript NM_001127222.2 (MANE Select); 8 bases into the intron after coding-DNA position 4388, G replaced by A.
Molecular consequence: intron variant.
Genome position (GRCh38, 1-based): chr19:13,259,556, C>T on the plus strand (G>A on the coding strand, the complement: CACNA1A is on the minus strand). VCF-style: chr19-13259556-C-T. GRCh37 (hg19) VCF-style: chr19-13370370-C-T.
Other names: c.4388+8G>A (NM_001127222.1); c.4391+8G>A (NM_001127221.2, NM_001174080.2); c.4400+8G>A (NM_000068.4, NM_023035.3).
Identifiers: ClinVar variation 446926 (VCV000446926.14), dbSNP rs376248243, ClinGen allele CA9240027.
Genomic context (GRCh38, chr19:13,259,556, plus strand): 5'-CTCTCAGGCCCTTTATCCTCCTGCTCCCCAGGGCTCCTCCTGGATAGATTTCCAGTCGGG[C>T]CACTTACTGTGGCCAGCCTTCTCCCGTGGACACGGTGAAGAGGGTCAGCAGAGCCCACAG-3'

ClinVar aggregate classification (germline): Likely benign. Review status: criteria provided, multiple submitters, no conflicts (2 of 4 stars). 3 submissions from 3 submitters: Likely benign (2). 1 of the submissions does not count toward it. Last evaluated 2025-08-03.

Conditions:
Episodic ataxia type 2 (EA2). Also called: ATAXIA, EPISODIC, WITH NYSTAGMUS; ATAXIA, FAMILIAL PAROXYSMAL; CEREBELLAR ATAXIA, PAROXYSMAL, ACETAZOLAMIDE-RESPONSIVE; CEREBELLOPATHY, HEREDITARY PAROXYSMAL; ACETAZOLAMIDE-RESPONSIVE HEREDITARY PAROXYSMAL CEREBELLAR ATAXIA; EPISODIC ATAXIA, NYSTAGMUS-ASSOCIATED. Identifiers: Orphanet 97, MedGen C1720416, MONDO:0007163, OMIM 108500.
Developmental and epileptic encephalopathy, 42 (DEE42A). Also called: Epileptic encephalopathy, early infantile, 42; DEVELOPMENTAL AND EPILEPTIC ENCEPHALOPATHY 42A; EPILEPTIC ENCEPHALOPATHY, EARLY INFANTILE, 42A. Identifiers: MedGen C4310716, MONDO:0014917, OMIM 617106.
CACNA1A-related disorder. Also called: CACNA1A-related condition.

Allele frequency attached by ClinVar (database versions not stated): gnomAD 0.00011 and 0.00013; TOPMed 0.00011; gnomAD exomes 0.00001 and 0.00002; ESP Exome Variant Server 0.00008; ExAC 0.00009.
gnomAD v4.1: 31 of 1,599,006 alleles (0.0019%); highest among the groups gnomAD compares: African/African-American, 0.038%; no homozygotes.

Submissions (3):

Labcorp Genetics (formerly Invitae), Labcorp
Classification: Likely benign for Developmental and epileptic encephalopathy, 42; Episodic ataxia type 2. Last evaluated: 2025-08-03. Review status: criteria provided, single submitter. Criteria: Invitae Variant Classification Sherloc (09022015). Collection method: clinical testing. Allele origin: germline.

Athena Diagnostics
Classification: Likely benign. Last evaluated: 2016-10-28. Review status: criteria provided, single submitter. Criteria: Athena Diagnostics Criteria. Collection method: clinical testing. Allele origin: germline.

PreventionGenetics, part of Exact Sciences
Classification: Likely benign for CACNA1A-related condition. Last evaluated: 2019-10-24. Review status: no assertion criteria provided. Collection method: clinical testing. Allele origin: germline. Not counted in ClinVar's aggregate classification.
Comment: This variant is classified as likely benign based on ACMG/AMP sequence variant interpretation guidelines (Richards et al. 2015 PMID: 25741868, with internal and published modifications).